The following is an entry in ClinVar:

ClinVar aggregate classification (germline): Uncertain significance (1 of 4 stars; one submission).

Allele frequency attached by ClinVar (database versions not stated): gnomAD 0.00004; gnomAD exomes 0.00004; TOPMed 0.00004; ExAC 0.00007.
gnomAD v4.1: 66 of 1,613,766 alleles (0.0041%); highest among the groups gnomAD compares: Admixed American, 0.028%; no homozygotes.

Submission:

Labcorp Genetics (formerly Invitae), Labcorp
Classification: Uncertain significance. Last evaluated: 2025-04-09. Review status: criteria provided, single submitter. Criteria: Invitae Variant Classification Sherloc (09022015). Collection method: clinical testing. Allele origin: germline.
Comment: This sequence change replaces isoleucine, which is neutral and non-polar, with asparagine, which is neutral and polar, at codon 813 of the FOCAD protein (p.Ile813Asn). This variant is present in population databases (rs758778522, gnomAD 0.04%). This variant has not been reported in the literature in individuals affected with FOCAD-related conditions. ClinVar contains an entry for this variant (Variation ID: 2918587). Experimental studies and prediction algorithms are not available or were not evaluated, and the functional significance of this variant is currently unknown. In summary, the available evidence is currently insufficient to determine the role of this variant in disease. Therefore, it has been classified as a Variant of Uncertain Significance.

NM_001375567.1(FOCAD):c.2438T>A (p.Ile813Asn)

Gene: FOCAD (focadhesin; plus strand). Cytogenetic location: 9p21.3.
Variant type: single nucleotide variant.
Coding change: c.2438T>A on transcript NM_001375567.1 (MANE Select); coding-DNA position 2438, T replaced by A.
Protein change: p.Ile813Asn; replaces isoleucine 813 with asparagine.
Molecular consequence: missense variant.
Genome position (GRCh38, 1-based): chr9:20,881,991, T>A. VCF-style: chr9-20881991-T-A. GRCh37 (hg19) VCF-style: chr9-20881990-T-A.
Other names: c.2333T>A, p.Ile778Asn (NM_001375568.1, NM_001375570.1); c.2438T>A, p.Ile813Asn (NM_017794.5); short protein forms I778N, I813N.
Identifiers: ClinVar variation 2918587 (VCV002918587.3), dbSNP rs758778522, ClinGen allele CA5007128.